The following is an entry in ClinVar:

ClinVar aggregate classification (germline): Likely benign. Review status: criteria provided, single submitter (1 of 4 stars). 2 submissions from 2 submitters: Likely benign (1). 1 of the submissions does not count toward it. Last evaluated 2016-08-30.

Conditions:
Hereditary cancer-predisposing syndrome. Also called: Neoplastic Syndromes, Hereditary; Tumor predisposition; Hereditary Cancer Syndrome; Hereditary neoplastic syndrome. Identifiers: Orphanet 140162, MedGen C0027672, MeSH D009386, MONDO:0015356.
SMARCA4-related disorder. Also called: SMARCA4-related condition.

Submissions (2):

Ambry Genetics
Classification: Likely benign for Hereditary cancer-predisposing syndrome. Last evaluated: 2016-08-30. Review status: criteria provided, single submitter. Criteria: Ambry Variant Classification Scheme 2023. Collection method: clinical testing. Allele origin: germline.

PreventionGenetics, part of Exact Sciences
Classification: Likely benign for SMARCA4-related condition. Last evaluated: 2022-06-24. Review status: no assertion criteria provided. Collection method: clinical testing. Allele origin: germline. Not counted in ClinVar's aggregate classification.
Comment: This variant is classified as likely benign based on ACMG/AMP sequence variant interpretation guidelines (Richards et al. 2015 PMID: 25741868, with internal and published modifications).

NM_003072.5(SMARCA4):c.4027_4029delinsTTG (p.Leu1343=)

Gene: SMARCA4 (SWI/SNF related BAF chromatin remodeling complex subunit ATPase 4; plus strand). Cytogenetic location: 19p13.2.
Variant type: Indel.
Coding change: c.4027_4029delinsTTG on transcript NM_003072.5 (MANE Select); coding-DNA positions 4027 to 4029, CTC replaced by TTG.
Protein change: p.Leu1343=; no amino-acid change (leucine 1343 retained).
Molecular consequence: synonymous variant. On other transcripts: non-coding transcript variant (1).
Genome position (GRCh38, 1-based): chr19:11,034,989-11,034,991, CTC replaced by TTG. VCF-style: chr19-11034989-CTC-TTG. GRCh37 (hg19) VCF-style: chr19-11145665-CTC-TTG.
Other names: c.4027_4029delinsTTG, p.Leu1343= (NM_001128844.3, NM_001128849.3, NM_001387283.1); c.3928_3930delinsTTG, p.Leu1310= (NM_001128845.2, NM_001128846.2, NM_001128847.4 and 2 more transcripts); c.4027_4029delCTCinsTTG (NM_001128849.1); c.4027_4029delinsTTG (NM_001128849.1).
Identifiers: ClinVar variation 484916 (VCV000484916.7), dbSNP rs1555785395, ClinGen allele CA658656776.
Genomic context (GRCh38, chr19:11,034,989, plus strand): 5'-CGCAGGCGCGAGGAGGCCCGCAACCCCAAGCGGAAGCCGCGCCTCATGGAGGAGGACGAG[CTC>TTG]CCCTCGTGGATCATCAAGGACGACGCGGAGGTGGAGCGGCTGACCTGTGAGGAGGAGGAG-3'
Protein context (NP_003063.2, residues 1333-1353): RKPRLMEEDE[Leu1343=]PSWIIKDDAE